The following is an entry in ClinVar:

NM_005045.4(RELN):c.311T>C (p.Ile104Thr)

Gene: RELN (reelin; minus strand). Cytogenetic location: 7q22.1.
Variant type: single nucleotide variant.
Coding change: c.311T>C on transcript NM_005045.4 (MANE Select); coding-DNA position 311, T replaced by C.
Protein change: p.Ile104Thr; replaces isoleucine 104 with threonine.
Molecular consequence: missense variant.
Genome position (GRCh38, 1-based): chr7:103,917,101, A>G on the plus strand (T>C on the coding strand, the complement: RELN is on the minus strand). VCF-style: chr7-103917101-A-G. GRCh37 (hg19) VCF-style: chr7-103557548-A-G.
Other names: c.311T>C, p.Ile104Thr (NM_173054.3); short protein forms I104T.
Identifiers: ClinVar variation 1486665 (VCV001486665.8), dbSNP rs764845581, ClinGen allele CA4422633.
Genomic context (GRCh38, chr7:103,917,101, plus strand): 5'-ACCCCCAAATTTCTGGTTTGTGAGAATAGCTTACCAAATCCGAAAGCACTGGAACCTCCA[A>G]TGCTCTGTGATGCCTGAACACTTGTAGATGTGTATAGTCCTGTCACCAGCAAGCCGTCAA-3'
Protein context (NP_005036.2, residues 94-114): TSTSVQASQS[Ile104Thr]GGSSAFGFGI

ClinVar aggregate classification (germline): Uncertain significance (1 of 4 stars; one submission).

Conditions:
Norman-Roberts syndrome (LIS2). Also called: Lissencephaly 2 (Norman-Roberts type). Identifiers: Orphanet 89844, MedGen C0796089, MONDO:0009760, OMIM 257320.
Familial temporal lobe epilepsy 7. Identifiers: Orphanet 101046, MedGen C4225327, MONDO:0014639, OMIM 616436.

Allele frequency attached by ClinVar (database versions not stated): gnomAD exomes below 0.00001 and 0.00001; ExAC 0.00001.
gnomAD v4.1: 10 of 1,613,444 alleles (0.00062%); highest among the groups gnomAD compares: African/African-American, 0.0013%; no homozygotes.

Submission:

Labcorp Genetics (formerly Invitae), Labcorp
Classification: Uncertain significance for Familial temporal lobe epilepsy 7; Norman-Roberts syndrome. Last evaluated: 2024-04-09. Review status: criteria provided, single submitter. Criteria: Invitae Variant Classification Sherloc (09022015). Collection method: clinical testing. Allele origin: germline.
Comment: This sequence change replaces isoleucine, which is neutral and non-polar, with threonine, which is neutral and polar, at codon 104 of the RELN protein (p.Ile104Thr). This variant is present in population databases (rs764845581, gnomAD 0.0009%). This variant has not been reported in the literature in individuals affected with RELN-related conditions. ClinVar contains an entry for this variant (Variation ID: 1486665). Advanced modeling of protein sequence and biophysical properties (such as structural, functional, and spatial information, amino acid conservation, physicochemical variation, residue mobility, and thermodynamic stability) performed at Invitae indicates that this missense variant is not expected to disrupt RELN protein function with a negative predictive value of 80%. In summary, the available evidence is currently insufficient to determine the role of this variant in disease. Therefore, it has been classified as a Variant of Uncertain Significance.